The following is an entry in ClinVar:

NM_153766.3(KCNJ1):c.513G>T (p.Lys171Asn)

Gene: KCNJ1 (potassium inwardly rectifying channel subfamily J member 1; minus strand). Cytogenetic location: 11q24.3.
Variant type: single nucleotide variant.
Coding change: c.513G>T on transcript NM_153766.3 (MANE Select); coding-DNA position 513, G replaced by T.
Protein change: p.Lys171Asn; replaces lysine 171 with asparagine.
Molecular consequence: missense variant.
Genome position (GRCh38, 1-based): chr11:128,839,731, C>A on the plus strand (G>T on the coding strand, the complement: KCNJ1 is on the minus strand). VCF-style: chr11-128839731-C-A. GRCh37 (hg19) VCF-style: chr11-128709626-C-A.
Other names: c.570G>T, p.Lys190Asn (NM_000220.6); c.513G>T, p.Lys171Asn (NM_153764.3, NM_153767.4); c.564G>T, p.Lys188Asn (NM_153765.3); c.513G>T (NM_153766.2); short protein forms K171N, K188N, K190N.
Identifiers: ClinVar variation 1806150 (VCV001806150.2), dbSNP rs2497570302, ClinGen allele CA383244854.

ClinVar aggregate classification (germline): Uncertain significance (1 of 4 stars; one submission).

Conditions:
Bartter disease type 2. Also called: Bartter syndrome, type 2, antenatal; HYPERPROSTAGLANDIN E SYNDROME 2; HYPOKALEMIC ALKALOSIS WITH HYPERCALCIURIA 2, ANTENATAL. Identifiers: Orphanet 112, Orphanet 620220, MedGen C1855849, MONDO:0009424, OMIM 241200.

Submission:

Victorian Clinical Genetics Services, Murdoch Childrens Research Institute
Classification: Uncertain significance for Bartter disease type 2. Last evaluated: 2024-10-10. Review status: criteria provided, single submitter. Criteria: ACMG Guidelines, 2015. Collection method: clinical testing. Allele origin: germline. Inheritance: Autosomal recessive inheritance. Affected: yes.
Comment: Based on the classification scheme VCGS_Germline_v1.3.5, this variant is classified as VUS-3B. Following criteria are met: 0102 - Loss of function is a known mechanism of disease in this gene and is associated with Bartter syndrome, type 2 (MIM#241200). (I) 0106 - This gene is associated with autosomal recessive disease. (I) 0200 - Variant is predicted to result in a missense amino acid change from lysine to asparagine. (I) 0251 - This variant is heterozygous. (I) 0301 - Variant is absent from gnomAD (v2, v3 and v4). (SP) 0502 - Missense variant with conflicting in silico predictions and high conservation. (I) 0604 - Variant is not located in an established domain, motif, hotspot or informative constraint region. (I) 0705 - No comparable missense variants have previous evidence for pathogenicity. (I) 0807 - This variant has no previous evidence of pathogenicity. (I) 0905 - No published segregation evidence has been identified for this variant. (I) 1007 - No published functional evidence has been identified for this variant. (I) Legend: (SP) - Supporting pathogenic, (I) - Information, (SB) - Supporting benign